The following is an entry in ClinVar:

NM_000093.5(COL5A1):c.5136+280G>A

Genes: COL5A1 (collagen type V alpha 1 chain; plus strand), LOC101448202 (uncharacterized LOC101448202; minus strand). Cytogenetic location: 9q34.3.
Variant type: single nucleotide variant.
Coding change: c.5136+280G>A on transcript NM_000093.5 (MANE Select); 280 bases into the intron after coding-DNA position 5136, G replaced by A.
Molecular consequence: intron variant.
Genome position (GRCh38, 1-based): chr9:134,830,324, G>A. VCF-style: chr9-134830324-G-A. GRCh37 (hg19) VCF-style: chr9-137722170-G-A.
Other names: c.5136+148G>A (NM_001278074.1).
Identifiers: ClinVar variation 672281 (VCV000672281.2), dbSNP rs3128578, ClinGen allele CA13003262.
Genomic context (GRCh38, chr9:134,830,324, plus strand): 5'-ATGTGTGCCACACCGCTCTTGCCAAACCGCTCCACATCACGTGACAGCAAGACTCAGCTA[G>A]GTGTGGAGTCCTCTCCCCAGCCCCCGCCACCCTGACAAGAGTGTGTTTCTGCCTGGAGTA-3'

ClinVar aggregate classification (germline): Benign. Review status: criteria provided, multiple submitters, no conflicts (2 of 4 stars). 2 submissions from 2 submitters: Benign (2). Last evaluated 2018-06-14.

Allele frequency attached by ClinVar (database versions not stated): 1000 Genomes Project 30x 0.49266; 1000 Genomes Project 0.49581; TOPMed 0.54666; gnomAD 0.55088 and 0.55167.
gnomAD v4.1: 471,119 of 780,988 alleles (60%); highest among the groups gnomAD compares: Non-Finnish European, 65%; 145,650 homozygotes.

Submissions (2):

GeneDx
Classification: Benign. Last evaluated: 2018-06-14. Review status: criteria provided, single submitter. Criteria: GeneDx Variant Classification (06012015). Collection method: clinical testing. Allele origin: germline. Affected: yes.
Comment: This variant is considered likely benign or benign based on one or more of the following criteria: it is a conservative change, it occurs at a poorly conserved position in the protein, it is predicted to be benign by multiple in silico algorithms, and/or has population frequency not consistent with disease.

Breakthrough Genomics
Classification: Benign. Review status: criteria provided, single submitter. Criteria: ACMG Guidelines, 2015. Collection method: not provided. Allele origin: germline. Inheritance: Autosomal dominant inheritance. Affected: yes.